The following is an entry in ClinVar:

ClinVar aggregate classification (germline): Uncertain significance (1 of 4 stars; one submission).

Conditions:
Inborn genetic diseases. Identifiers: MedGen C0950123, MeSH D030342.

Submission:

Ambry Genetics
Classification: Uncertain significance for Inborn genetic diseases. Last evaluated: 2025-06-25. Review status: criteria provided, single submitter. Criteria: Ambry Variant Classification Scheme 2023. Collection method: clinical testing. Allele origin: germline.
Comment: The p.I272S variant (also known as c.815T>G), located in coding exon 7 of the BUB1B gene, results from a T to G substitution at nucleotide position 815. The isoleucine at codon 272 is replaced by serine, an amino acid with dissimilar properties. This amino acid position is conserved. In addition, this alteration is predicted to be tolerated by in silico analysis. Based on the available evidence, the clinical significance of this variant remains unclear.

NM_001211.6(BUB1B):c.815T>G (p.Ile272Ser)

Gene: BUB1B (BUB1 mitotic checkpoint serine/threonine kinase B; plus strand). Cytogenetic location: 15q15.1.
Variant type: single nucleotide variant.
Coding change: c.815T>G on transcript NM_001211.6 (MANE Select); coding-DNA position 815, T replaced by G.
Protein change: p.Ile272Ser; replaces isoleucine 272 with serine.
Molecular consequence: missense variant.
Genome position (GRCh38, 1-based): chr15:40,185,228, T>G. VCF-style: chr15-40185228-T-G. GRCh37 (hg19) VCF-style: chr15-40477429-T-G.
Other names: short protein forms I272S.
Identifiers: ClinVar variation 4216933 (VCV004216933.1).
Genomic context (GRCh38, chr15:40,185,228, plus strand): 5'-CAAGCCAGAACAGAGGACTCCAAAATCCATTTCCTCAACAGATGCAAAATAATAGTAGAA[T>G]TACTGTTTTTGATGAAAATGCTGATGAGGCTTCTACAGCAGAGTTGTCTAAGCCTACAGT-3'
Protein context (NP_001202.5, residues 262-282): FPQQMQNNSR[Ile272Ser]TVFDENADEA